The following is an entry in ClinVar:

ClinVar aggregate classification (germline): Uncertain significance (1 of 4 stars; one submission).

Allele frequency attached by ClinVar (database versions not stated): gnomAD exomes below 0.00001 and 0.00001; ExAC 0.00001.
gnomAD v4.1: 5 of 1,614,050 alleles (0.00031%); highest among the groups gnomAD compares: South Asian, 0.0055%; no homozygotes.

Submission:

ARUP Laboratories, Molecular Genetics and Genomics, ARUP Laboratories
Classification: Uncertain significance. Last evaluated: 2018-04-20. Review status: criteria provided, single submitter. Criteria: ARUP Molecular Germline Variant Investigation Process. Collection method: clinical testing. Allele origin: germline.
Comment: The TRIP11 c.332A>C; p.Lys111Thr variant (rs770534000), to our knowledge, is not reported in the medical literature, gene specific variation databases, nor has it been previously identified by our laboratory. This variant is listed in the genome Aggregation Database (gnomAD) with an overall population frequency of 0.0008% (identified on 2 out of 245,770 chromosomes). The lysine at position 111 is highly conserved, considering 12 species, and computational analyses of the effects of the p.Lys111Thr variant on protein structure and function make conflicting predictions (SIFT: tolerated, PolyPhen-2: possibly damaging). Based on the available information, the clinical significance of the p.Lys111Thr variant cannot be determined with certainty.

NM_004239.4(TRIP11):c.332A>C (p.Lys111Thr)

Gene: TRIP11 (thyroid hormone receptor interactor 11; minus strand). Cytogenetic location: 14q32.12.
Variant type: single nucleotide variant.
Coding change: c.332A>C on transcript NM_004239.4 (MANE Select); coding-DNA position 332, A replaced by C.
Protein change: p.Lys111Thr; replaces lysine 111 with threonine.
Molecular consequence: missense variant.
Genome position (GRCh38, 1-based): chr14:92,021,812, T>G on the plus strand (A>C on the coding strand, the complement: TRIP11 is on the minus strand). VCF-style: chr14-92021812-T-G. GRCh37 (hg19) VCF-style: chr14-92488156-T-G.
Other names: c.329A>C, p.Lys110Thr (NM_001321851.1); short protein forms K111T, K110T.
Identifiers: ClinVar variation 618446 (VCV000618446.9), dbSNP rs770534000, ClinGen allele CA7314207.